The following is an entry in ClinVar:

ClinVar aggregate classification (germline): Uncertain significance (1 of 4 stars; one submission).

Conditions:
Cardiovascular phenotype. Identifiers: MedGen CN230736.
Hereditary cancer-predisposing syndrome. Also called: Neoplastic Syndromes, Hereditary; Tumor predisposition; Hereditary Cancer Syndrome; Hereditary neoplastic syndrome. Identifiers: Orphanet 140162, MedGen C0027672, MeSH D009386, MONDO:0015356.

Submission:

Ambry Genetics
Classification: Uncertain significance for Cardiovascular phenotype; Hereditary cancer-predisposing syndrome. Last evaluated: 2017-12-01. Review status: criteria provided, single submitter. Criteria: Ambry Variant Classification Scheme 2023. Collection method: clinical testing. Allele origin: germline.
Comment: The p.A2212V variant (also known as c.6635C>T), located in coding exon 43 of the NF1 gene, results from a C to T substitution at nucleotide position 6635. The alanine at codon 2212 is replaced by valine, an amino acid with similar properties. This amino acid position is highly conserved in available vertebrate species. In addition, the in silico prediction for this alteration is inconclusive. Since supporting evidence is limited at this time, the clinical significance of this alteration remains unclear.

NM_001042492.3(NF1):c.6698C>T (p.Ala2233Val)

Gene: NF1 (neurofibromin 1; plus strand). Cytogenetic location: 17q11.2.
Variant type: single nucleotide variant.
Coding change: c.6698C>T on transcript NM_001042492.3 (MANE Select); coding-DNA position 6698, C replaced by T.
Protein change: p.Ala2233Val; replaces alanine 2233 with valine.
Molecular consequence: missense variant.
Genome position (GRCh38, 1-based): chr17:31,337,874, C>T. VCF-style: chr17-31337874-C-T. GRCh37 (hg19) VCF-style: chr17-29664892-C-T.
Other names: c.6635C>T, p.Ala2212Val (NM_000267.4); short protein forms A2233V, A2212V.
Identifiers: ClinVar variation 1754586 (VCV001754586.2), dbSNP rs2151557535, ClinGen allele CA399013950.